The following is an entry in ClinVar:

ClinVar aggregate classification (germline): Uncertain significance (1 of 4 stars; one submission).

Conditions:
Epidermolysis bullosa simplex with nail dystrophy (EBS5D). Identifiers: MedGen C4225309, MONDO:0014661, OMIM 616487.
Epidermolysis bullosa simplex, Ogna type (EBS5A). Also called: Pidermolysis bullosa simplex 5A, Ogna type; EPIDERMOLYSIS BULLOSA SIMPLEX 5A, OGNA TYPE. Identifiers: Orphanet 79401, MedGen C0432317, MONDO:0007555, OMIM 131950.
Autosomal recessive limb-girdle muscular dystrophy type 2Q (LGMDR17). Also called: MUSCULAR DYSTROPHY, LIMB-GIRDLE, AUTOSOMAL RECESSIVE 17. Identifiers: Orphanet 254361, MedGen C3150989, MONDO:0013390, OMIM 613723.
Epidermolysis bullosa simplex 5B, with muscular dystrophy (EBS5B). Also called: EPIDERMOLYSIS BULLOSA SIMPLEX AND LIMB-GIRDLE MUSCULAR DYSTROPHY; Epidermolysis bullosa simplex with muscular dystrophy. Identifiers: Orphanet 257, MedGen C2931072, MONDO:0009181, OMIM 226670.
Epidermolysis bullosa simplex 5C, with pyloric atresia (EBS5C). Also called: PLEC-Related Epidermolysis Bullosa with Pyloric Atresia; Epidermolysis bullosa simplex with pyloric atresia; PLEC1-Related Epidermolysis Bullosa with Pyloric Atresia. Identifiers: Orphanet 158684, MedGen C2677349, MONDO:0012807, OMIM 612138.

Submission:

Labcorp Genetics (formerly Invitae), Labcorp
Classification: Uncertain significance for Autosomal recessive limb-girdle muscular dystrophy type 2Q; Epidermolysis bullosa simplex, Ogna type; Epidermolysis bullosa simplex with nail dystrophy; Epidermolysis bullosa simplex 5C, with pyloric atresia; Epidermolysis bullosa simplex 5B, with muscular dystrophy. Last evaluated: 2024-07-19. Review status: criteria provided, single submitter. Criteria: Invitae Variant Classification Sherloc (09022015). Collection method: clinical testing. Allele origin: germline.
Comment: This sequence change replaces glycine, which is neutral and non-polar, with serine, which is neutral and polar, at codon 3423 of the PLEC protein (p.Gly3423Ser). This variant is not present in population databases (gnomAD no frequency). This variant has not been reported in the literature in individuals affected with PLEC-related conditions. Advanced modeling of protein sequence and biophysical properties (such as structural, functional, and spatial information, amino acid conservation, physicochemical variation, residue mobility, and thermodynamic stability) performed at Invitae indicates that this missense variant is expected to disrupt PLEC protein function with a positive predictive value of 80%. In summary, the available evidence is currently insufficient to determine the role of this variant in disease. Therefore, it has been classified as a Variant of Uncertain Significance.

NM_201384.3(PLEC):c.10186G>A (p.Gly3396Ser)

Gene: PLEC (plectin; minus strand). Cytogenetic location: 8q24.3.
Variant type: single nucleotide variant.
Coding change: c.10186G>A on transcript NM_201384.3 (MANE Select); coding-DNA position 10186, G replaced by A.
Protein change: p.Gly3396Ser; replaces glycine 3396 with serine.
Molecular consequence: missense variant.
Genome position (GRCh38, 1-based): chr8:143,919,635, C>T on the plus strand (G>A on the coding strand, the complement: PLEC is on the minus strand). VCF-style: chr8-143919635-C-T. GRCh37 (hg19) VCF-style: chr8-144993803-C-T.
Other names: c.10267G>A, p.Gly3423Ser (NM_000445.5); c.6886G>A, p.Gly2296Ser (NM_001410941.1); c.10144G>A, p.Gly3382Ser (NM_201378.4); c.10120G>A, p.Gly3374Ser (NM_201379.3); c.10597G>A, p.Gly3533Ser (NM_201380.4); c.10090G>A, p.Gly3364Ser (NM_201381.3); c.10186G>A, p.Gly3396Ser (NM_201382.4); c.10198G>A, p.Gly3400Ser (NM_201383.3); short protein forms G2296S, G3364S, G3374S, G3382S, G3396S, G3400S, G3423S, G3533S.
Identifiers: ClinVar variation 3757221 (VCV003757221.2).